The following is an entry in ClinVar:

ClinVar aggregate classification (germline): Uncertain significance (1 of 4 stars; one submission).

Conditions:
Epidermolysis bullosa simplex with nail dystrophy (EBS5D). Identifiers: MedGen C4225309, MONDO:0014661, OMIM 616487.
Epidermolysis bullosa simplex, Ogna type (EBS5A). Also called: EPIDERMOLYSIS BULLOSA SIMPLEX 5A, OGNA TYPE; Pidermolysis bullosa simplex 5A, Ogna type. Identifiers: Orphanet 79401, MedGen C0432317, MONDO:0007555, OMIM 131950.
Autosomal recessive limb-girdle muscular dystrophy type 2Q (LGMDR17). Also called: MUSCULAR DYSTROPHY, LIMB-GIRDLE, AUTOSOMAL RECESSIVE 17. Identifiers: Orphanet 254361, MedGen C3150989, MONDO:0013390, OMIM 613723.
Epidermolysis bullosa simplex 5B, with muscular dystrophy (EBS5B). Also called: EPIDERMOLYSIS BULLOSA SIMPLEX AND LIMB-GIRDLE MUSCULAR DYSTROPHY; Epidermolysis bullosa simplex with muscular dystrophy. Identifiers: Orphanet 257, MedGen C2931072, MONDO:0009181, OMIM 226670.
Epidermolysis bullosa simplex 5C, with pyloric atresia (EBS5C). Also called: PLEC-Related Epidermolysis Bullosa with Pyloric Atresia; Epidermolysis bullosa simplex with pyloric atresia; PLEC1-Related Epidermolysis Bullosa with Pyloric Atresia. Identifiers: Orphanet 158684, MedGen C2677349, MONDO:0012807, OMIM 612138.

gnomAD v4.1: 2 of 1,603,972 alleles (0.00012%); highest among the groups gnomAD compares: African/African-American, 0.0027%; no homozygotes.

Submission:

Labcorp Genetics (formerly Invitae), Labcorp
Classification: Uncertain significance for Autosomal recessive limb-girdle muscular dystrophy type 2Q; Epidermolysis bullosa simplex, Ogna type; Epidermolysis bullosa simplex with nail dystrophy; Epidermolysis bullosa simplex 5C, with pyloric atresia; Epidermolysis bullosa simplex 5B, with muscular dystrophy. Last evaluated: 2025-08-11. Review status: criteria provided, single submitter. Criteria: Invitae Variant Classification Sherloc (09022015). Collection method: clinical testing. Allele origin: germline.
Comment: This sequence change replaces valine, which is neutral and non-polar, with leucine, which is neutral and non-polar, at codon 3082 of the PLEC protein (p.Val3082Leu). This variant is not present in population databases (gnomAD no frequency). This variant has not been reported in the literature in individuals affected with PLEC-related conditions. An algorithm developed to predict the effect of missense changes on protein structure and function outputs the following: PolyPhen-2: "Benign". The leucine amino acid residue is found in multiple mammalian species, which suggests that this missense change does not adversely affect protein function. In summary, the available evidence is currently insufficient to determine the role of this variant in disease. Therefore, it has been classified as a Variant of Uncertain Significance.

NM_201384.3(PLEC):c.9163G>T (p.Val3055Leu)

Gene: PLEC (plectin; minus strand). Cytogenetic location: 8q24.3.
Variant type: single nucleotide variant.
Coding change: c.9163G>T on transcript NM_201384.3 (MANE Select); coding-DNA position 9163, G replaced by T.
Protein change: p.Val3055Leu; replaces valine 3055 with leucine.
Molecular consequence: missense variant.
Genome position (GRCh38, 1-based): chr8:143,920,658, C>A on the plus strand (G>T on the coding strand, the complement: PLEC is on the minus strand). VCF-style: chr8-143920658-C-A. GRCh37 (hg19) VCF-style: chr8-144994826-C-A.
Other names: c.9244G>T, p.Val3082Leu (NM_000445.5); c.5863G>T, p.Val1955Leu (NM_001410941.1); c.9121G>T, p.Val3041Leu (NM_201378.4); c.9097G>T, p.Val3033Leu (NM_201379.3); c.9574G>T, p.Val3192Leu (NM_201380.4); c.9067G>T, p.Val3023Leu (NM_201381.3); c.9163G>T, p.Val3055Leu (NM_201382.4); c.9175G>T, p.Val3059Leu (NM_201383.3); short protein forms V3041L, V3192L, V3033L, V3082L, V1955L, V3023L, V3055L, V3059L.
Identifiers: ClinVar variation 4790005 (VCV004790005.1).